The following is an entry in ClinVar:

ClinVar aggregate classification (germline): Pathogenic (1 of 4 stars; one submission).

Submission:

ISCA Site 6
Classification: Pathogenic. Last evaluated: 2011-08-12. Review status: criteria provided, single submitter. Criteria: Kaminsky et al. (Genet Med. 2011). Collection method: clinical testing. Allele origin: unknown. Affected: yes. Observed: 2 variant alleles.
Comment: Copy number variation identified through the course of routine clinical cytogenomic testing in postnatal populations. Clinical assertions have been curated as described in Kaminsky et al. 2011.

GRCh38/hg38 15q11.2-13.1(chr15:23462305-28190742)x1

Genes: ATP10A (ATPase phospholipid transporting 10A (putative); minus strand), ATP10A-DT (ATP10A divergent transcript; plus strand), GABRA5 (gamma-aminobutyric acid type A receptor subunit alpha5; plus strand), GABRB3 (gamma-aminobutyric acid type A receptor subunit beta3; minus strand), GABRG3 (gamma-aminobutyric acid type A receptor subunit gamma3; plus strand) and 136 more. Cytogenetic location: 15q11.2-13.1.
Variant type: copy number loss.
Change: copy number 1 (one copy instead of two) of chr15:23,462,305-28,190,742 (4.73 Mb, GRCh38 coordinates, 1-based), cytogenetic band 15q11.2-13.1.
Identifiers: ClinVar variation 58631 (VCV000058631.2).